The following is an entry in ClinVar:

NM_001142864.4(PIEZO1):c.1542G>C (p.Leu514=)

Genes: HSALR1 (HSP90AB1 associated lncRNA 1; plus strand), PIEZO1 (piezo type mechanosensitive ion channel component 1 (Er blood group); minus strand). Cytogenetic location: 16q24.3.
Variant type: single nucleotide variant.
Coding change: c.1542G>C on transcript NM_001142864.4 (MANE Select); coding-DNA position 1542, G replaced by C.
Protein change: p.Leu514=; no amino-acid change (leucine 514 retained).
Molecular consequence: synonymous variant.
Genome position (GRCh38, 1-based): chr16:88,736,163, C>G on the plus strand (G>C on the coding strand, the complement: PIEZO1 is on the minus strand). VCF-style: chr16-88736163-C-G. GRCh37 (hg19) VCF-style: chr16-88802571-C-G.
Other names: p.Leu514=.
Identifiers: ClinVar variation 4684150 (VCV004684150.1).

ClinVar aggregate classification (germline): Likely benign (1 of 4 stars; one submission).

Submission:

Mayo Clinic Laboratories, Mayo Clinic
Classification: Likely benign. Last evaluated: 2025-01-14. Review status: criteria provided, single submitter. Criteria: ACMG Guidelines, 2015. Collection method: clinical testing. Allele origin: germline. Observed: 1 variant allele.
Comment: BP4, BP7, PM2_supporting